The following is an entry in ClinVar:

NM_001365276.2(TNXB):c.9164_9165del (p.Pro3055fs)

Gene: TNXB (tenascin XB; minus strand). Cytogenetic location: 6p21.33.
Variant type: Deletion.
Coding change: c.9164_9165del on transcript NM_001365276.2 (MANE Select); coding-DNA positions 9164 to 9165, 2 bases deleted (CT; older notation c.9164_9165delCT).
Protein change: p.Pro3055fs; shifts the reading frame from proline 3055.
Molecular consequence: frameshift variant.
Genome position (GRCh38, 1-based): chr6:32,050,272-32,050,273, AG deleted on the plus strand (CT on the coding strand, the reverse complement: TNXB is on the minus strand). VCF-style (leftmost placement, unchanged base first): chr6-32050271-CAG-C. GRCh37 (hg19) VCF-style: chr6-32018048-CAG-C.
Other names: c.9905_9906del, p.Pro3302fs (NM_001428335.1); c.9158_9159del, p.Pro3053fs (NM_019105.8); short protein forms P3053fs, P3055fs, P3302fs.
Identifiers: ClinVar variation 5007024 (VCV005007024.2).

ClinVar aggregate classification (germline): Likely pathogenic (1 of 4 stars; one submission).

Conditions:
Ehlers-Danlos syndrome due to tenascin-X deficiency (EDSCLL1). Also called: EHLERS-DANLOS SYNDROME, CLASSIC-LIKE; Ehlers-Danlos syndrome, classic-like, 1; TNX DEFICIENCY; TNXB-Related Classical-Like Ehlers-Danlos Syndrome; EDS DUE TO TNX DEFICIENCY. Identifiers: Orphanet 230839, MedGen C1848029, MONDO:0011670, OMIM 606408.
Vesicoureteral reflux 8 (VUR8). Identifiers: Orphanet 289365, MedGen C4014831, MONDO:0014422, OMIM 615963.

Submission:

Juno Genomics, Hangzhou Juno Genomics, Inc
Classification: Likely pathogenic for Vesicoureteral reflux 8; Ehlers-Danlos syndrome due to tenascin-X deficiency. Review status: criteria provided, single submitter. Criteria: ACMG Guidelines, 2015. Collection method: clinical testing. Allele origin: germline.
Comment: Null variant in a gene where loss of function (LOF) is a known mechanism of disease.;Absent from controls (or at extremely low frequency if recessive) in Genome Aggregation Database.